The following is an entry in ClinVar:

NM_025000.4(DCAF17):c.673_674del (p.Ile225fs)

Gene: DCAF17 (DDB1 and CUL4 associated factor 17; plus strand). Cytogenetic location: 2q31.1.
Variant type: Deletion.
Coding change: c.673_674del on transcript NM_025000.4 (MANE Select); coding-DNA positions 673 to 674, 2 bases deleted (AT; older notation c.673_674delAT).
Protein change: p.Ile225fs; shifts the reading frame from isoleucine 225.
Molecular consequence: frameshift variant. On other transcripts: non-coding transcript variant (1).
Genome position (GRCh38, 1-based): chr2:171,458,016-171,458,017, AT deleted. VCF-style (leftmost placement, unchanged base first): chr2-171458015-GAT-G. GRCh37 (hg19) VCF-style: chr2-172314525-GAT-G.
Other names: c.673_674del, p.Ile225fs (NM_001164821.2); short protein forms I225fs.
Identifiers: ClinVar variation 2749940 (VCV002749940.3), dbSNP rs2529720590, ClinGen allele CA2697551356.

ClinVar aggregate classification (germline): Pathogenic (1 of 4 stars; one submission).

Conditions:
Woodhouse-Sakati syndrome. Also called: EXTRAPYRAMIDAL DISORDER, PROGRESSIVE, WITH PRIMARY HYPOGONADISM, MENTAL RETARDATION, AND ALOPECIA; Hypogonadism, Alopecia, Diabetes Mellitus, Mental Retardation, and Extrapyramidal Syndrome; Hypogonadism, diabetes mellitus, alopecia, mental retardation and electrocardiographic abnormalities. Identifiers: Orphanet 3464, MedGen C0342286, MONDO:0009419, OMIM 241080.

Submission:

Labcorp Genetics (formerly Invitae), Labcorp
Classification: Pathogenic for Woodhouse-Sakati syndrome. Last evaluated: 2023-08-04. Review status: criteria provided, single submitter. Criteria: Invitae Variant Classification Sherloc (09022015). Collection method: clinical testing. Allele origin: germline.
Comment: For these reasons, this variant has been classified as Pathogenic. This variant has not been reported in the literature in individuals affected with DCAF17-related conditions. This variant is not present in population databases (gnomAD no frequency). This sequence change creates a premature translational stop signal (p.Ile225Cysfs*12) in the DCAF17 gene. It is expected to result in an absent or disrupted protein product. Loss-of-function variants in DCAF17 are known to be pathogenic (PMID: 19026396, 20507343).

Literature cited by the submitters: PubMed 19026396; PubMed 20507343.